The following is an entry in ClinVar:

ClinVar aggregate classification (germline): Uncertain significance (1 of 4 stars; one submission).

Conditions:
Autosomal recessive limb-girdle muscular dystrophy type 2A (LGMDR1). Also called: Muscular dystrophy, limb-girdle, type 2A, Amish; Limb-girdle muscular dystrophy, type 2A; Calpainopathy; LEYDEN-MOEBIUS MUSCULAR DYSTROPHY; MUSCULAR DYSTROPHY, PELVOFEMORAL. Identifiers: Orphanet 267, MedGen C1869123, MONDO:0009675, OMIM 253600. Disease mechanism: loss of function.

Allele frequency attached by ClinVar (database versions not stated): gnomAD 0.00001; ExAC 0.00002; 1000 Genomes Project 0.00020; 1000 Genomes Project 30x 0.00031.
gnomAD v4.1: 5 of 1,614,098 alleles (0.00031%); highest among the groups gnomAD compares: East Asian, 0.0022%; no homozygotes.

Submission:

Labcorp Genetics (formerly Invitae), Labcorp
Classification: Uncertain significance for Autosomal recessive limb-girdle muscular dystrophy type 2A. Last evaluated: 2024-09-23. Review status: criteria provided, single submitter. Criteria: Invitae Variant Classification Sherloc (09022015). Collection method: clinical testing. Allele origin: germline.
Comment: This sequence change replaces methionine, which is neutral and non-polar, with valine, which is neutral and non-polar, at codon 262 of the CAPN3 protein (p.Met262Val). This variant is present in population databases (rs565901676, gnomAD 0.02%). This variant has not been reported in the literature in individuals affected with CAPN3-related conditions. ClinVar contains an entry for this variant (Variation ID: 2050665). Invitae Evidence Modeling of protein sequence and biophysical properties (such as structural, functional, and spatial information, amino acid conservation, physicochemical variation, residue mobility, and thermodynamic stability) indicates that this missense variant is not expected to disrupt CAPN3 protein function with a negative predictive value of 80%. In summary, the available evidence is currently insufficient to determine the role of this variant in disease. Therefore, it has been classified as a Variant of Uncertain Significance.

NM_000070.3(CAPN3):c.784A>G (p.Met262Val)

Gene: CAPN3 (calpain 3; plus strand). Cytogenetic location: 15q15.1.
Variant type: single nucleotide variant.
Coding change: c.784A>G on transcript NM_000070.3 (MANE Select); coding-DNA position 784, A replaced by G.
Protein change: p.Met262Val; replaces methionine 262 with valine.
Molecular consequence: missense variant.
Genome position (GRCh38, 1-based): chr15:42,389,079, A>G. VCF-style: chr15-42389079-A-G. GRCh37 (hg19) VCF-style: chr15-42681277-A-G.
Other names: c.784A>G, p.Met262Val (NM_024344.2, NM_173087.2); c.523A>G, p.Met175Val (NM_212464.2); c.*477A>G (NM_212467.2); short protein forms M262V, M175V.
Identifiers: ClinVar variation 2050665 (VCV002050665.3), dbSNP rs565901676, ClinGen allele CA7511111.